The following is an entry in ClinVar:

ClinVar aggregate classification (germline): Conflicting classifications of pathogenicity. Review status: criteria provided, conflicting classifications (1 of 4 stars). 9 submissions from 9 submitters: Likely pathogenic (2); Uncertain significance (7). Last evaluated 2026-02-12.

Conditions:
STRC-related disorder. Also called: STRC-related condition.
Spermatogenic failure 7. Also called: MALE INFERTILITY, NONSYNDROMIC, AUTOSOMAL RECESSIVE. Identifiers: Orphanet 276234, MedGen C2751811, MONDO:0013070, OMIM 612997.
Autosomal recessive nonsyndromic hearing loss 16. Also called: DFNB16 Nonsyndromic Hearing Loss and Deafness; DEAFNESS, AUTOSOMAL RECESSIVE 16. Identifiers: Orphanet 90636, MedGen C1863561, MONDO:0011364, OMIM 603720.
Deafness-infertility syndrome. Also called: Deafness and male infertility. Identifiers: Orphanet 94064, MedGen C1970187, MONDO:0012621, OMIM 611102.

Allele frequency attached by ClinVar (database versions not stated): gnomAD 0.00005; gnomAD exomes 0.00024; ExAC 0.00033.

Submissions (9):

Genomics, Clalit Research Institute, Clalit Health Care
Classification: Likely pathogenic for Autosomal recessive nonsyndromic hearing loss 16. Last evaluated: 2026-02-12. Review status: criteria provided, single submitter. Criteria: ACMG Guidelines, 2015. Collection method: clinical testing. Allele origin: germline. Inheritance: Autosomal recessive inheritance. Affected: yes. Observed: 3 variant alleles. Clinical features observed: Hearing impairment.
Comment: Inheritance: The variant was identified in the Heterozygous state in the sample. The variant was identified in compound with STRC:c.4171C>G. Frequency: The variant is rare, observed in 32 alleles out of 153,222 (0.021%) in the gnomAD reference population dataset. Allelic data: This variant was previously reported in trans with a pathogenic variant (PMID:29425068; VCV000165318.14 in trans with c.4171C>G in child with sensorineural hearing impairment). Additionally reported in 2 internal hearing loss cases compound with pathogenic variant. Prediction tools: REVEL predicts an uncertain impact on the gene or gene product (score 0.36).

PreventionGenetics, part of Exact Sciences
Classification: Uncertain significance for STRC-related condition. Last evaluated: 2026-01-27. Review status: criteria provided, single submitter. Criteria: ACMG Guidelines, 2015. Collection method: clinical testing. Allele origin: germline.
Comment: The STRC c.3275G>A variant is predicted to result in the amino acid substitution p.Cys1092Tyr. This variant was reported in a patient with non-syndromic hearing loss in conjunction with a second pathogenic variant (Marková et al. 2018. PubMed ID: 29425068). This variant is reported in 0.21% of alleles in individuals of Ashkenazi Jewish descent in gnomAD, although allele frequency data at this locus may be unreliable due to sequence paralogy. At this time, the clinical significance of this variant is uncertain due to the absence of conclusive functional and genetic evidence.

New York Genome Center
Classification: Likely pathogenic for Autosomal recessive nonsyndromic hearing loss 16. Last evaluated: 2024-10-25. Review status: criteria provided, single submitter. Criteria: NYGC Assertion Criteria 2020. Collection method: clinical testing. Allele origin: inherited. Affected: yes. Observed: 1 variant allele, 1 compound heterozygote.
Comment: The inherited heterozygous c.3275G>A variant in STRC has previously been reported in compound heterozygous state in an individual affected with nonsyndromic early-onset hearing loss [PMID: 29425068] and it has been deposited in ClinVar [ClinVar ID: 165318] as a Variant of Uncertain Significance by multiple submitters (last accessed on 10-24-2024). The c.3275G>A variant is observed in 83 alleles (~0.0062% minor allele frequency with 3 homozygotes) in the gnomAD v4.1.0 database, however, all variant calls at this location failed gnomAD’s quality control metrics indicating that the gnomAD data at this locus is unreliable due to the complexity of the genomic region. The c.3275G>A variant in STRC is located in exon 13 of this 29-exon gene, and predicted to replace an evolutionarily conserved cysteine amino acid with tyrosine at position 1092 of the encoded protein. In silico predictions are inconclusive of the variant's p.(Cys1092Tyr) effect [CADD v1.6 = 22.9, REVEL = 0.359]; and there are no functional studies to support or refute these predictions. Detection of this variant in trans with another likely pathogenic variant in three siblings with hearing loss in this family has increased the odds of pathogenicity for this variant [PMID:38103548]. Based on the evidence available, this inherited c.3275G>A, p. (Cys1092Tyr) heterozygous variant identified in STRC is classified as Likely Pathogenic.

GeneDx
Classification: Uncertain significance. Last evaluated: 2024-03-31. Review status: criteria provided, single submitter. Criteria: GeneDx Variant Classification Process June 2021. Collection method: clinical testing. Allele origin: germline. Affected: yes.
Comment: Identified in the heterozygous state in a patient with hearing loss who also harbored an STRC gene deletion. Parental studies were not conducted to determine if these variant were inherited in the compound heterozygous state (PMID: 29425068); In silico analysis supports that this missense variant does not alter protein structure/function; This variant is associated with the following publications: (PMID: 29425068)

Mayo Clinic Laboratories, Mayo Clinic
Classification: Uncertain significance. Last evaluated: 2022-10-28. Review status: criteria provided, single submitter. Criteria: ACMG Guidelines, 2015. Collection method: clinical testing. Allele origin: germline. Observed: 2 variant alleles.
Comment: PP1, PM2_supporting, PM3

Fulgent Genetics
Classification: Uncertain significance for Autosomal recessive nonsyndromic hearing loss 16; Deafness-infertility syndrome; Spermatogenic failure 7. Last evaluated: 2021-09-27. Review status: criteria provided, single submitter. Criteria: ACMG Guidelines, 2015. Collection method: clinical testing. Allele origin: unknown.

Division Of Personalized Genomic Medicine, Columbia University Irving Medical Center
Classification: Uncertain significance for Autosomal recessive nonsyndromic hearing loss 16. Last evaluated: 2021-01-07. Review status: criteria provided, single submitter. Criteria: ACMG Guidelines, 2015. Collection method: clinical testing. Allele origin: germline. Inheritance: Autosomal recessive inheritance. Affected: yes. Observed: 1 compound heterozygote.
Comment: The c.3275G>A variant in the STRC gene is a missense variant which results in the substitution of a cysteine residue at amino acid position 1092 for a tyrosine (NP_116023.2). This variant localizes to coding exon 13 of the STRC gene (29 coding exons in total; NM_153700.2). In silico predictors for this variant are not consistent: it is predicted to be neutral to protein structure and/or function by PROVEAN, but is predicted to be damaging by SIFT. This variant is present in the Genome Aggregation Database (gnomAD) at a very low frequency, 0.0209% (32 out of 153,222 alleles), indicating it is not a common benign variant in the populations represented in this database. This variant was reported in a patient with nonsyndromic early-onset hearing loss who was compound heterozygous for this variant and a deletion of the STRC gene (PMID: 29425068). This variant is reported in ClinVar with as a variant of uncertain clinical significance (allele ID# 165318, last accessed 8/11/2020). Given the limited evidence available, the c.3275G>A (p.Cys1092Tyr) variant in STRC is classified as a variant of uncertain clinical significance.

Laboratory for Molecular Medicine, Mass General Brigham Personalized Medicine
Classification: Uncertain significance. Last evaluated: 2015-11-25. Review status: criteria provided, single submitter. Criteria: LMM Criteria. Collection method: clinical testing. Allele origin: germline. Observed: 2 variant alleles.
Comment: Variant classified as Uncertain Significance - Favor Pathogenic. Data from large po pulation studies is insufficient to assess the frequency of this variant. Comput ational prediction tools and conservation analyses do not provide strong support for or against an impact to the protein. In summary, while there is some suspic ion for a pathogenic role based on the previously reported case, the clinical si gnificance of the p.Cys1092Tyr variant is uncertain.

Genome-Nilou Lab
Classification: Uncertain significance for Autosomal recessive nonsyndromic hearing loss 16. Review status: criteria provided, single submitter. Criteria: ACMG Guidelines, 2015. Collection method: clinical testing. Allele origin: germline.

Literature cited by the submitters: PubMed 29425068 (cited by 4 submitters).

NM_153700.2(STRC):c.3275G>A (p.Cys1092Tyr)

Gene: STRC (stereocilin; minus strand). Cytogenetic location: 15q15.3.
Variant type: single nucleotide variant.
Coding change: c.3275G>A on transcript NM_153700.2 (MANE Select); coding-DNA position 3275, G replaced by A.
Protein change: p.Cys1092Tyr; replaces cysteine 1092 with tyrosine.
Molecular consequence: missense variant.
Genome position (GRCh38, 1-based): chr15:43,611,179, C>T on the plus strand (G>A on the coding strand, the complement: STRC is on the minus strand). VCF-style: chr15-43611179-C-T. GRCh37 (hg19) VCF-style: chr15-43903377-C-T.
Other names: short protein forms C1092Y.
Identifiers: ClinVar variation 165318 (VCV000165318.17), dbSNP rs727503447, ClinGen allele CA178059.